The following is an entry in ClinVar:

NM_031935.3(HMCN1):c.8489G>A (p.Gly2830Glu)

Gene: HMCN1 (hemicentin 1; plus strand). Cytogenetic location: 1q31.1.
Variant type: single nucleotide variant.
Coding change: c.8489G>A on transcript NM_031935.3 (MANE Select); coding-DNA position 8489, G replaced by A.
Protein change: p.Gly2830Glu; replaces glycine 2830 with glutamic acid.
Molecular consequence: missense variant.
Genome position (GRCh38, 1-based): chr1:186,078,110, G>A. VCF-style: chr1-186078110-G-A. GRCh37 (hg19) VCF-style: chr1-186047242-G-A.
Other names: short protein forms G2830E.
Identifiers: ClinVar variation 294199 (VCV000294199.12), dbSNP rs749154171, ClinGen allele CA1293145.

ClinVar aggregate classification (germline): Uncertain significance. Review status: criteria provided, multiple submitters, no conflicts (2 of 4 stars). 4 submissions from 4 submitters: Uncertain significance (4). Last evaluated 2025-12-20.

Conditions:
Age related macular degeneration 1 (ARMD1). Also called: MACULOPATHY, AGE-RELATED, 1. Identifiers: MedGen C1864205, MONDO:0011285, OMIM 603075.

Allele frequency attached by ClinVar (database versions not stated): gnomAD 0.00001 and 0.00002; gnomAD exomes 0.00002 and 0.00008; ExAC 0.00003; TOPMed 0.00003.
gnomAD v4.1: 28 of 1,610,160 alleles (0.0017%); highest among the groups gnomAD compares: Admixed American, 0.033%; no homozygotes.

Submissions (4):

Labcorp Genetics (formerly Invitae), Labcorp
Classification: Uncertain significance. Last evaluated: 2025-12-20. Review status: criteria provided, single submitter. Criteria: Invitae Variant Classification Sherloc (09022015). Collection method: clinical testing. Allele origin: germline.
Comment: This sequence change replaces glycine, which is neutral and non-polar, with glutamic acid, which is acidic and polar, at codon 2830 of the HMCN1 protein (p.Gly2830Glu). This variant is present in population databases (rs749154171, gnomAD 0.05%). This variant has not been reported in the literature in individuals affected with HMCN1-related conditions. ClinVar contains an entry for this variant (Variation ID: 294199). An algorithm developed to predict the effect of missense changes on protein structure and function (PolyPhen-2) suggests that this variant is likely to be disruptive. In summary, the available evidence is currently insufficient to determine the role of this variant in disease. Therefore, it has been classified as a Variant of Uncertain Significance.

Genome-Nilou Lab
Classification: Uncertain significance for Age related macular degeneration 1. Last evaluated: 2023-04-11. Review status: criteria provided, single submitter. Criteria: ACMG Guidelines, 2015. Collection method: clinical testing. Allele origin: germline. Affected: no.

Ambry Genetics
Classification: Uncertain significance. Last evaluated: 2021-10-22. Review status: criteria provided, single submitter. Criteria: Ambry Variant Classification Scheme 2023. Collection method: clinical testing. Allele origin: germline.

Illumina Laboratory Services, Illumina
Classification: Uncertain significance for Age related macular degeneration 1. Last evaluated: 2018-01-13. Review status: criteria provided, single submitter. Criteria: ICSL Variant Classification Criteria 13 December 2019. Collection method: clinical testing. Allele origin: germline.